The following is an entry in ClinVar:

NM_004304.5(ALK):c.1547-1G>A

Gene: ALK (ALK receptor tyrosine kinase; minus strand). Cytogenetic location: 2p23.2.
Variant type: single nucleotide variant.
Coding change: c.1547-1G>A on transcript NM_004304.5 (MANE Select); the canonical splice acceptor site of the intron before coding-DNA position 1547, G replaced by A.
Molecular consequence: splice acceptor variant.
Genome position (GRCh38, 1-based): chr2:29,318,405, C>T on the plus strand (G>A on the coding strand, the complement: ALK is on the minus strand). VCF-style: chr2-29318405-C-T. GRCh37 (hg19) VCF-style: chr2-29541271-C-T.
Identifiers: ClinVar variation 2971530 (VCV002971530.3), dbSNP rs2148248315, ClinGen allele CA346471520.

ClinVar aggregate classification (germline): Uncertain significance (1 of 4 stars; one submission).

Conditions:
Neuroblastoma, susceptibility to, 3. Also called: ALK-Related Neuroblastic Tumor Susceptibility. Identifiers: Orphanet 635, MedGen C2751681, MONDO:0013083, OMIM 613014.

Submission:

Labcorp Genetics (formerly Invitae), Labcorp
Classification: Uncertain significance for Neuroblastoma, susceptibility to, 3. Last evaluated: 2023-02-22. Review status: criteria provided, single submitter. Criteria: Invitae Variant Classification Sherloc (09022015). Collection method: clinical testing. Allele origin: germline.
Comment: Algorithms developed to predict the effect of sequence changes on RNA splicing suggest that this variant may disrupt the consensus splice site. In summary, the available evidence is currently insufficient to determine the role of this variant in disease. Therefore, it has been classified as a Variant of Uncertain Significance. This variant has not been reported in the literature in individuals affected with ALK-related conditions. This variant is not present in population databases (gnomAD no frequency). This sequence change affects an acceptor splice site in intron 7 of the ALK gene. It is expected to disrupt RNA splicing. Variants that disrupt the donor or acceptor splice site typically lead to a loss of protein function (PMID: 16199547), however the current clinical and genetic evidence is not sufficient to establish whether loss-of-function variants in ALK cause disease.

Literature cited by the submitters: PubMed 16199547.